The following is an entry in ClinVar:

NM_000363.5(TNNI3):c.603G>C (p.Met201Ile)

Gene: TNNI3 (troponin I3, cardiac type; minus strand). Cytogenetic location: 19q13.42.
Variant type: single nucleotide variant.
Coding change: c.603G>C on transcript NM_000363.5 (MANE Select); coding-DNA position 603, G replaced by C.
Protein change: p.Met201Ile; replaces methionine 201 with isoleucine.
Molecular consequence: missense variant.
Genome position (GRCh38, 1-based): chr19:55,151,864, C>G on the plus strand (G>C on the coding strand, the complement: TNNI3 is on the minus strand). VCF-style: chr19-55151864-C-G. GRCh37 (hg19) VCF-style: chr19-55663232-C-G.
Other names: short protein forms M201I.
Identifiers: ClinVar variation 1977541 (VCV001977541.5), dbSNP rs774968223, ClinGen allele CA051926.

ClinVar aggregate classification (germline): Uncertain significance (1 of 4 stars; one submission).

Conditions:
Hypertrophic cardiomyopathy. Also called: HYPERTROPHIC MYOCARDIOPATHY. Identifiers: Orphanet 217569, MedGen C0007194, MeSH D002312, MONDO:0005045, HP:0001639.

Allele frequency attached by ClinVar (database versions not stated): ExAC 0.00001; gnomAD 0.00001.
gnomAD v4.1: 3 of 1,614,056 alleles (0.00019%); highest among the groups gnomAD compares: Non-Finnish European, 0.00017%; no homozygotes.

Submission:

Labcorp Genetics (formerly Invitae), Labcorp
Classification: Uncertain significance for Hypertrophic cardiomyopathy. Last evaluated: 2024-09-09. Review status: criteria provided, single submitter. Criteria: Invitae Variant Classification Sherloc (09022015). Collection method: clinical testing. Allele origin: germline.
Comment: This sequence change replaces methionine, which is neutral and non-polar, with isoleucine, which is neutral and non-polar, at codon 201 of the TNNI3 protein (p.Met201Ile). This variant is present in population databases (rs774968223, gnomAD 0.0009%). This variant has not been reported in the literature in individuals affected with TNNI3-related conditions. ClinVar contains an entry for this variant (Variation ID: 1977541). An algorithm developed to predict the effect of missense changes on protein structure and function (PolyPhen-2) suggests that this variant is likely to be disruptive. In summary, the available evidence is currently insufficient to determine the role of this variant in disease. Therefore, it has been classified as a Variant of Uncertain Significance.